The following is an entry in ClinVar:

ClinVar aggregate classification (germline): Uncertain significance (1 of 4 stars; one submission).

gnomAD v4.1: 34 of 1,614,024 alleles (0.0021%); highest among the groups gnomAD compares: South Asian, 0.0088%; no homozygotes.

Submission:

Ambry Genetics
Classification: Uncertain significance. Last evaluated: 2025-12-04. Review status: criteria provided, single submitter. Criteria: Ambry Variant Classification Scheme 2023. Collection method: clinical testing. Allele origin: germline.
Comment: The c.380G>A (p.R127H) alteration is located in exon 2 (coding exon 2) of the HHIPL1 gene. This alteration results from a G to A substitution at nucleotide position 380, causing the arginine (R) at amino acid position 127 to be replaced by a histidine (H). Based on data from gnomAD, the A allele has an overall frequency of 0.004% (10/251340) total alleles studied. The highest observed frequency was 0.02% (6/30616) of South Asian alleles. Based on insufficient or conflicting evidence, the clinical significance of this alteration remains unclear.

NM_001127258.3(HHIPL1):c.380G>A (p.Arg127His)

Gene: HHIPL1 (HHIP like 1; plus strand). Cytogenetic location: 14q32.2.
Variant type: single nucleotide variant.
Coding change: c.380G>A on transcript NM_001127258.3 (MANE Select); coding-DNA position 380, G replaced by A.
Protein change: p.Arg127His; replaces arginine 127 with histidine.
Molecular consequence: missense variant.
Genome position (GRCh38, 1-based): chr14:99,652,348, G>A. VCF-style: chr14-99652348-G-A. GRCh37 (hg19) VCF-style: chr14-100118685-G-A.
Other names: c.185G>A, p.Arg62His (NM_001329411.2); c.380G>A, p.Arg127His (NM_032425.5); short protein forms R127H, R62H.
Identifiers: ClinVar variation 4676007 (VCV004676007.1).